The following is an entry in ClinVar:

ClinVar aggregate classification (germline): Pathogenic. Review status: criteria provided, multiple submitters, no conflicts (2 of 4 stars). 6 submissions from 6 submitters: Pathogenic (6). Last evaluated 2025-02-13.

Conditions:
Charcot-Marie-Tooth disease. Also called: Charcot-Marie-Tooth Neuropathy; Charcot-Marie-Tooth Hereditary Neuropathy. Identifiers: Orphanet 166, MedGen C0007959, MONDO:0015626.
Charcot-Marie-Tooth disease, type I (CMT1). Also called: Charcot-Marie-Tooth disease type 1; Charcot-Marie-Tooth, Type 1. Identifiers: Orphanet 65753, MedGen C0751036, MONDO:0019011.
MPZ-related disorder. Also called: MPZ-related condition; MPZ-related disorders.
Inborn genetic diseases. Identifiers: MedGen C0950123, MeSH D030342.

Submissions (6):

ARUP Laboratories, Molecular Genetics and Genomics, ARUP Laboratories
Classification: Pathogenic. Last evaluated: 2025-02-13. Review status: criteria provided, single submitter. Criteria: ARUP Molecular Germline Variant Investigation Process 2024. Collection method: clinical testing. Allele origin: germline.
Comment: The MPZ c.303G>A; p.Trp101Ter variant (rs1558154149, ClinVar Variation ID 586153) is reported in the literature in multiple individuals affected with Charcot-Marie-Tooth disease (Gemignani 2024, Ramirez 2012, Volodarsky 2021). In one affected family, the variant was shown to co-segregate with disease in 6 individuals (Ramirez 2012). This variant is absent from the Genome Aggregation Database (v2.1.1), indicating it is not a common polymorphism. Immunohistochemistry performed on biopsies from an affected patient demonstrated unmyelinated axons (Ramirez 2012). This variant induces an early termination codon and is predicted to result in a truncated protein or mRNA subject to nonsense-mediated decay. Based on available information, this variant is considered to be pathogenic. References: Gemignani F et al. Charcot-Marie-Tooth Disease with Myelin Protein Zero Mutation Presenting as Painful, Predominant Small-Fiber Neuropathy. Int J Mol Sci. 2024 Jan 29;25(3):1654. PMID: 38338934. Ramirez JD et al. Intermediate Charcot-Marie-Tooth disease due to a novel Trp101Stop myelin protein zero mutation associated with debilitating neuropathic pain. Pain. 2012 Aug;153(8):1763-1768. PMID: 22704856. Volodarsky M et al. Comprehensive genetic sequence and copy number analysis for Charcot-Marie-Tooth disease in a Canadian cohort of 2517 patients. J Med Genet. 2021 Apr;58(4):284-288. PMID: 32376792.

Ambry Genetics
Classification: Pathogenic for Inborn genetic diseases. Last evaluated: 2023-01-06. Review status: criteria provided, single submitter. Criteria: Ambry Variant Classification Scheme 2023. Collection method: clinical testing. Allele origin: germline.
Comment: The c.303G>A (p.W101*) alteration, located in exon 3 (coding exon 3) of the MPZ gene, consists of a G to A substitution at nucleotide position 303. This changes the amino acid from a tryptophan (W) to a stop codon at amino acid position 101. This alteration is expected to result in loss of function by premature protein truncation or nonsense-mediated mRNA decay._x000D_ _x000D_ Based on the available evidence, the c.303G>A (p.W101*) alteration is classified as pathogenic for autosomal recessive MPZ-related Dejerine-Sottas disease and autosomal dominant MPZ-related Charcot-Marie-Tooth disease, type 1; however, its clinical significance for other autosomal dominant MPZ-related neuropathic disorders is unclear. This variant was not reported in population-based cohorts in the Genome Aggregation Database (gnomAD). This mutation was reported as detected once in a cohort of individuals with a suspected diagnosis of Charcot-Marie-Tooth (CMT) disease (Volodarsky, 2021). In addition, another alteration resulting in the same premature truncation c.302G>A (p.W101*), has been described in one CMT family with multiple affected individuals and shown to segregate with disease (Ramirez, 2012). Based on the available evidence, this alteration is classified as pathogenic.

Women's Health and Genetics/Laboratory Corporation of America, LabCorp
Classification: Pathogenic for MPZ-Related Disorders. Last evaluated: 2022-11-03. Review status: criteria provided, single submitter. Criteria: LabCorp Variant Classification Summary - May 2015. Collection method: clinical testing. Allele origin: germline.
Comment: Variant summary: MPZ c.303G>A (p.Trp101X) results in a premature termination codon, predicted to cause a truncation of the encoded protein or absence of the protein due to nonsense mediated decay, which are commonly known mechanisms for disease. Truncations downstream of this position have been classified as pathogenic within ClinVar (e.g. c.646dup [p.Thr216fs], c.434_437del [p.Tyr145fs]). The variant was absent in 251492 control chromosomes (gnomAD). c.303G>A has been reported in the literature in at least one individual with Charcot-Marie-Tooth disease (Volodarsky_2021). An adjacent variant which is also responsible for causing a premature termination at codon 101 (c.302G>A) was found segregating with disease in an English family where multiple individuals were affected with intermediate Charcot-Marie-Tooth disease and neuropathic pain, spanning 4 generations (Ramirez_2012). These data indicate that the variant is very likely to be associated with disease. To our knowledge, no experimental evidence demonstrating an impact on protein function has been reported. One ClinVar submitter has assessed the variant since 2014: the variant was classified as pathogenic. Based on the evidence outlined above, the variant was classified as pathogenic.

Labcorp Genetics (formerly Invitae), Labcorp
Classification: Pathogenic for Charcot-Marie-Tooth disease, type I. Last evaluated: 2022-04-15. Review status: criteria provided, single submitter. Criteria: Invitae Variant Classification Sherloc (09022015). Collection method: clinical testing. Allele origin: germline.
Comment: ClinVar contains an entry for this variant (Variation ID: 586153). For these reasons, this variant has been classified as Pathogenic. Algorithms developed to predict the effect of sequence changes on RNA splicing suggest that this variant may create or strengthen a splice site. This premature translational stop signal has been observed in individual(s) with clinical features of Charcot-Marie-Tooth disease (PMID: 32376792). This variant is not present in population databases (gnomAD no frequency). This sequence change creates a premature translational stop signal (p.Trp101*) in the MPZ gene. It is expected to result in an absent or disrupted protein product. Loss-of-function variants in MPZ are known to be pathogenic (PMID: 14711881).

Athena Diagnostics
Classification: Pathogenic. Last evaluated: 2021-05-26. Review status: criteria provided, single submitter. Criteria: Athena Diagnostics criteria. Collection method: clinical testing. Allele origin: unknown.
Comment: This variant is expected to result in the loss of a functional protein. This variant was not reported in large, multi-ethnic, general populations. This variant has been identified in at least one individual with clinical features associated with this gene.

Molecular Genetics Laboratory, London Health Sciences Centre
Classification: Pathogenic for Charcot-Marie-Tooth disease. Review status: criteria provided, single submitter. Criteria: ACMG Guidelines, 2015. Collection method: clinical testing. Allele origin: germline. Affected: yes.

Literature cited by the submitters: PubMed 22704856 (cited by Ambry Genetics and Women's Health and Genetics/Laboratory Corporation of America, LabCorp); PubMed 32376792 (cited by 3 submitters); PubMed 14711881 (cited by Labcorp Genetics (formerly Invitae), Labcorp).

NM_000530.8(MPZ):c.303G>A (p.Trp101Ter)

Gene: MPZ (myelin protein zero; minus strand). Cytogenetic location: 1q23.3.
Variant type: single nucleotide variant.
Coding change: c.303G>A on transcript NM_000530.8 (MANE Select); coding-DNA position 303, G replaced by A.
Protein change: p.Trp101Ter; replaces tryptophan 101 with a stop codon.
Molecular consequence: nonsense.
Genome position (GRCh38, 1-based): chr1:161,306,853, C>T on the plus strand (G>A on the coding strand, the complement: MPZ is on the minus strand). VCF-style: chr1-161306853-C-T. GRCh37 (hg19) VCF-style: chr1-161276643-C-T.
Other names: c.303G>A (LRG_256t1); c.303G>A, p.Trp101Ter (NM_001315491.2); short protein forms W101*.
Identifiers: ClinVar variation 586153 (VCV000586153.11), dbSNP rs1558154149, ClinGen allele CA343349510.